The following is an entry in ClinVar:

NM_130384.3(ATRIP):c.2337G>A (p.Ala779=)

Genes: ATRIP (ATR interacting protein; plus strand), ATRIP-TREX1 (ATRIP-TREX1 readthrough; plus strand), LOC129936704 (ATAC-STARR-seq lymphoblastoid active region 19829; plus strand). Cytogenetic location: 3p21.31.
Variant type: single nucleotide variant.
Coding change: c.2337G>A on transcript NM_130384.3 (MANE Select); coding-DNA position 2337, G replaced by A.
Protein change: p.Ala779=; no amino-acid change (alanine 779 retained).
Molecular consequence: synonymous variant. On other transcripts: non-coding transcript variant (1).
Genome position (GRCh38, 1-based): chr3:48,465,515, G>A. VCF-style: chr3-48465515-G-A. GRCh37 (hg19) VCF-style: chr3-48506914-G-A.
Other names: c.1956G>A, p.Ala652= (NM_001271022.2); c.2058G>A, p.Ala686= (NM_001271023.2); c.2256G>A, p.Ala752= (NM_032166.4); c.2337G>A (NM_130384.1).
Identifiers: ClinVar variation 774842 (VCV000774842.35), dbSNP rs201794728, ClinGen allele CA2376470.

ClinVar aggregate classification (germline): Benign/Likely benign. Review status: criteria provided, multiple submitters, no conflicts (2 of 4 stars). 4 submissions from 4 submitters: Benign (2); Likely benign (2). Last evaluated 2025-12-23.

Allele frequency attached by ClinVar (database versions not stated): ESP Exome Variant Server 0.00008; gnomAD 0.00011 and 0.00023; TOPMed 0.00015; 1000 Genomes Project 0.00040; 1000 Genomes Project 30x 0.00047; gnomAD exomes 0.00050; ExAC 0.00056.

Submissions (4):

Labcorp Genetics (formerly Invitae), Labcorp
Classification: Benign. Last evaluated: 2025-12-23. Review status: criteria provided, single submitter. Criteria: Invitae Variant Classification Sherloc (09022015). Collection method: clinical testing. Allele origin: germline.

Ambry Genetics
Classification: Likely benign. Last evaluated: 2024-08-21. Review status: criteria provided, single submitter. Criteria: Ambry Variant Classification Scheme 2023. Collection method: clinical testing. Allele origin: germline.

CeGaT Center for Human Genetics Tuebingen
Classification: Likely benign. Last evaluated: 2022-08-01. Review status: criteria provided, single submitter. Criteria: CeGaT Center For Human Genetics Tuebingen Variant Classification Criteria Version 2. Collection method: clinical testing. Allele origin: germline. Affected: yes. Observed: 1 variant allele.
Comment: ATRIP: BP4, BP7

Breakthrough Genomics
Classification: Benign. Review status: criteria provided, single submitter. Criteria: ACMG Guidelines, 2015. Collection method: not provided. Allele origin: germline. Inheritance: Unknown mechanism. Affected: yes.